The following is an entry in ClinVar:

NM_001277313.2(FMN1):c.2044-1583A>T

Gene: FMN1 (formin 1; minus strand). Cytogenetic location: 15q13.3.
Variant type: single nucleotide variant.
Coding change: c.2044-1583A>T on transcript NM_001277313.2 (MANE Select); 1583 bases into the intron before coding-DNA position 2044, A replaced by T.
Molecular consequence: intron variant. On other transcripts: missense variant (1).
Genome position (GRCh38, 1-based): chr15:33,066,657, T>A on the plus strand (A>T on the coding strand, the complement: FMN1 is on the minus strand). VCF-style: chr15-33066657-T-A. GRCh37 (hg19) VCF-style: chr15-33358858-T-A.
Other names: c.1228A>T, p.Ile410Phe (NM_001103184.4); short protein forms I410F.
Identifiers: ClinVar variation 2327570 (VCV002327570.5), dbSNP rs187679649, ClinGen allele CA7457153.

ClinVar aggregate classification (germline): Uncertain significance. Review status: criteria provided, multiple submitters, no conflicts (2 of 4 stars). 2 submissions from 2 submitters: Uncertain significance (2). Last evaluated 2025-06-03.

Allele frequency attached by ClinVar (database versions not stated): gnomAD 0.00018; TOPMed 0.00022; 1000 Genomes Project 30x 0.00031; 1000 Genomes Project 0.00040; ExAC 0.00013; ESP Exome Variant Server 0.00041.
gnomAD v4.1: 539 of 1,613,728 alleles (0.033%); highest among the groups gnomAD compares: Non-Finnish European, 0.043%; no homozygotes.

Submissions (2):

Labcorp Genetics (formerly Invitae), Labcorp
Classification: Uncertain significance. Last evaluated: 2025-06-03. Review status: criteria provided, single submitter. Criteria: Invitae Variant Classification Sherloc (09022015). Collection method: clinical testing. Allele origin: germline.
Comment: This sequence change replaces isoleucine, which is neutral and non-polar, with phenylalanine, which is neutral and non-polar, at codon 410 of the FMN1 protein (p.Ile410Phe). This variant is present in population databases (rs187679649, gnomAD 0.02%). This variant has not been reported in the literature in individuals affected with FMN1-related conditions. ClinVar contains an entry for this variant (Variation ID: 2327570). Experimental studies and prediction algorithms are not available or were not evaluated, and the functional significance of this variant is currently unknown. In summary, the available evidence is currently insufficient to determine the role of this variant in disease. Therefore, it has been classified as a Variant of Uncertain Significance.

Ambry Genetics
Classification: Uncertain significance. Last evaluated: 2024-10-17. Review status: criteria provided, single submitter. Criteria: Ambry Variant Classification Scheme 2023. Collection method: clinical testing. Allele origin: germline.